The following is an entry in ClinVar:

NM_000152.5(GAA):c.2605del (p.Glu869fs)

Gene: GAA (alpha glucosidase; plus strand). Cytogenetic location: 17q25.3.
Variant type: Deletion.
Coding change: c.2605del on transcript NM_000152.5 (MANE Select); coding-DNA position 2605, one base deleted (G; older notation c.2605delG).
Protein change: p.Glu869fs; shifts the reading frame from glutamic acid 869.
Molecular consequence: frameshift variant.
Genome position (GRCh38, 1-based): chr17:80,118,316, G deleted; the last of 2 consecutive G bases (chr17:80,118,315-80,118,316); deleting either gives the same sequence. VCF-style (leftmost placement, unchanged base first): chr17-80118314-TG-T. GRCh37 (hg19) VCF-style: chr17-78092113-TG-T.
Other names: c.2605del, p.Glu869fs (NM_001079803.3, NM_001079804.3, NM_001406741.1 and 1 more transcripts); short protein forms E869fs.
Identifiers: ClinVar variation 4876488 (VCV004876488.1).
Genomic context (GRCh38, chr17:80,118,314, plus strand): 5'-CCAAGGGTGGGGAGGCCCGAGGGGAGCTGTTCTGGGACGATGGAGAGAGCCTGGAAGTGC[TG>T]GAGCGAGGGGCCTACACACAGGTCATCTTCCTGGCCAGGAATGTGAGTCCTGGGGCTGCT-3'

ClinVar aggregate classification (germline): Pathogenic (1 of 4 stars; one submission).

Conditions:
Glycogen storage disease, type II (IOPD). Also called: Pompe Disease; CARDIOMEGALIA GLYCOGENICA DIFFUSA; GLYCOGENOSIS, GENERALIZED, CARDIAC FORM; GSD II; POMPE DISEASE, INFANTILE-ONSET; GLYCOGEN STORAGE DISEASE II, INFANTILE-ONSET. Identifiers: Orphanet 365, MedGen C0017921, MONDO:0009290, OMIM 232300.

Submission:

Genomenon, Inc
Classification: Pathogenic for Glycogen storage disease, type II. Last evaluated: 2026-07-01. Review status: criteria provided, single submitter. Criteria: Genomenon Sequence Variant Interpretation Standards - Updated. Collection method: curation. Allele origin: germline. Affected: yes.
Comment: GAA p.Glu869SerfsTer18 (c.2605del) is a frameshift variant that is predicted to introduce a premature termination codon and result in a truncated or absent protein product. This variant has been observed in at least one proband with a GAA-related disorder (PMID:17470141;18285536). It is absent or not present at a significant frequency in gnomAD. In conclusion, we classify GAA p.Glu869SerfsTer18 (c.2605del) as a pathogenic variant.

Literature cited by the submitters: PubMed 17470141; PubMed 18285536.